The following is an entry in ClinVar:

NM_001282860.2(GON4L):c.5048C>G (p.Pro1683Arg)

Gene: GON4L (gon-4 like; minus strand). Cytogenetic location: 1q22.
Variant type: single nucleotide variant.
Coding change: c.5048C>G on transcript NM_001282860.2 (MANE Select); coding-DNA position 5048, C replaced by G.
Protein change: p.Pro1683Arg; replaces proline 1683 with arginine.
Molecular consequence: missense variant.
Genome position (GRCh38, 1-based): chr1:155,760,505, G>C on the plus strand (C>G on the coding strand, the complement: GON4L is on the minus strand). VCF-style: chr1-155760505-G-C. GRCh37 (hg19) VCF-style: chr1-155730296-G-C.
Other names: c.5048C>G, p.Pro1683Arg (NM_001282856.2, NM_001282858.2); short protein forms P1683R.
Identifiers: ClinVar variation 5004959 (VCV005004959.2).

ClinVar aggregate classification (germline): Uncertain significance (1 of 4 stars; one submission).

Conditions:
Li-Takada-Miyake syndrome. Identifiers: MedGen C6012727, MONDO:0978303, OMIM 621212.

Submission:

Juno Genomics, Hangzhou Juno Genomics, Inc
Classification: Uncertain significance for Li-Takada-Miyake syndrome. Review status: criteria provided, single submitter. Criteria: ACMG Guidelines, 2015. Collection method: clinical testing. Allele origin: germline.
Comment: Absent from controls (or at extremely low frequency if recessive) in Genome Aggregation Database.;Missense variant in a gene that has a low rate of benign missense variation.